The following is an entry in ClinVar:

ClinVar aggregate classification (germline): Uncertain significance (1 of 4 stars; one submission).

Allele frequency attached by ClinVar (database versions not stated): gnomAD exomes below 0.00001.
gnomAD v4.1: 1 of 1,613,426 alleles (0.000062%); highest among the groups gnomAD compares: South Asian, 0.0011%; no homozygotes.

Submission:

Ambry Genetics
Classification: Uncertain significance. Last evaluated: 2025-04-18. Review status: criteria provided, single submitter. Criteria: Ambry Variant Classification Scheme 2023. Collection method: clinical testing. Allele origin: germline.
Comment: The p.H1302R variant (also known as c.3905A>G), located in coding exon 35 of the KIF1B gene, results from an A to G substitution at nucleotide position 3905. The histidine at codon 1302 is replaced by arginine, an amino acid with highly similar properties. This amino acid position is conserved. In addition, the in silico prediction for this alteration is inconclusive. Since supporting evidence is limited at this time, the clinical significance of this alteration remains unclear.

NM_001365951.3(KIF1B):c.4043A>G (p.His1348Arg)

Gene: KIF1B (kinesin family member 1B; plus strand). Cytogenetic location: 1p36.22.
Variant type: single nucleotide variant.
Coding change: c.4043A>G on transcript NM_001365951.3 (MANE Select); coding-DNA position 4043, A replaced by G.
Protein change: p.His1348Arg; replaces histidine 1348 with arginine.
Molecular consequence: missense variant.
Genome position (GRCh38, 1-based): chr1:10,352,724, A>G. VCF-style: chr1-10352724-A-G. GRCh37 (hg19) VCF-style: chr1-10412782-A-G.
Other names: c.4043A>G, p.His1348Arg (NM_001365952.1); c.3905A>G, p.His1302Arg (NM_015074.3); short protein forms H1302R, H1348R.
Identifiers: ClinVar variation 1736052 (VCV001736052.3), dbSNP rs1356468730, ClinGen allele CA338344506.